The following is an entry in ClinVar:

ClinVar aggregate classification (germline): Uncertain significance (1 of 4 stars; one submission).

Submission:

Labcorp Genetics (formerly Invitae), Labcorp
Classification: Uncertain significance. Last evaluated: 2025-01-10. Review status: criteria provided, single submitter. Criteria: Invitae Variant Classification Sherloc (09022015). Collection method: clinical testing. Allele origin: germline.
Comment: This variant, c.7186_7188del, results in the deletion of 1 amino acid(s) of the ANK3 protein (p.Glu2396del), but otherwise preserves the integrity of the reading frame. This variant is present in population databases (rs777786233, gnomAD 0.2%). This variant has not been reported in the literature in individuals affected with ANK3-related conditions. Experimental studies and prediction algorithms are not available or were not evaluated, and the functional significance of this variant is currently unknown. In summary, the available evidence is currently insufficient to determine the role of this variant in disease. Therefore, it has been classified as a Variant of Uncertain Significance.

NM_020987.5(ANK3):c.7177GAA[3] (p.Glu2396del)

Gene: ANK3 (ankyrin 3; minus strand). Cytogenetic location: 10q21.2.
Variant type: Microsatellite.
Coding change: c.7177GAA[3] on transcript NM_020987.5 (MANE Select); three copies in a row of the 3-base unit GAA starting at c.7177; the reference has four copies in a row; one copy, 3 bases deleted.
Protein change: p.Glu2396del; deletes glutamic acid 2396.
Molecular consequence: intron variant (on NM_001204403.2).
Genome position (GRCh38, 1-based): chr10:60,073,693-60,073,695, TTC deleted on the plus strand (GAA on the coding strand, the reverse complement: ANK3 is on the minus strand); deleting any 3 consecutive bases within chr10:60,073,693-60,073,706 gives the same sequence; the position shown is the placement nearest the transcript's 3' end. VCF-style (leftmost placement, unchanged base first): chr10-60073692-GTTC-G. GRCh37 (hg19) VCF-style: chr10-61833450-GTTC-G.
Other names: c.4388-5695GAA[3] (NM_001204403.2); c.4409-5695GAA[3] (NM_001204404.2); c.4406-5695GAA[3] (NM_001320874.2); c.1808-5695GAA[3] (NM_001149.4); short protein forms E2396del.
Identifiers: ClinVar variation 3631384 (VCV003631384.2).